The following is an entry in ClinVar:

ClinVar aggregate classification (germline): Uncertain significance (1 of 4 stars; one submission).

gnomAD v4.1: 1 of 1,614,146 alleles (0.000062%); highest among the groups gnomAD compares: South Asian, 0.0011%; no homozygotes.

Submission:

Labcorp Genetics (formerly Invitae), Labcorp
Classification: Uncertain significance. Last evaluated: 2024-01-10. Review status: criteria provided, single submitter. Criteria: Invitae Variant Classification Sherloc (09022015). Collection method: clinical testing. Allele origin: germline.
Comment: This sequence change replaces glutamine, which is neutral and polar, with glutamic acid, which is acidic and polar, at codon 343 of the TFAP2B protein (p.Gln343Glu). This variant is not present in population databases (gnomAD no frequency). This variant has not been reported in the literature in individuals affected with TFAP2B-related conditions. Advanced modeling of protein sequence and biophysical properties (such as structural, functional, and spatial information, amino acid conservation, physicochemical variation, residue mobility, and thermodynamic stability) performed at Invitae indicates that this missense variant is not expected to disrupt TFAP2B protein function with a negative predictive value of 80%. In summary, the available evidence is currently insufficient to determine the role of this variant in disease. Therefore, it has been classified as a Variant of Uncertain Significance.

NM_003221.4(TFAP2B):c.1027C>G (p.Gln343Glu)

Gene: TFAP2B (transcription factor AP-2 beta; plus strand). Cytogenetic location: 6p12.3.
Variant type: single nucleotide variant.
Coding change: c.1027C>G on transcript NM_003221.4 (MANE Select); coding-DNA position 1027, C replaced by G.
Protein change: p.Gln343Glu; replaces glutamine 343 with glutamic acid.
Molecular consequence: missense variant.
Genome position (GRCh38, 1-based): chr6:50,840,242, C>G. VCF-style: chr6-50840242-C-G. GRCh37 (hg19) VCF-style: chr6-50807955-C-G.
Other names: short protein forms Q343E.
Identifiers: ClinVar variation 3011004 (VCV003011004.3), dbSNP rs1762699567, ClinGen allele CA364415672.